The following is an entry in ClinVar:

NM_000051.4(ATM):c.6824T>C (p.Ile2275Thr)

Genes: ATM (ATM serine/threonine kinase; plus strand), C11orf65 (chromosome 11 open reading frame 65; minus strand). Cytogenetic location: 11q22.3.
Variant type: single nucleotide variant.
Coding change: c.6824T>C on transcript NM_000051.4 (MANE Select); coding-DNA position 6824, T replaced by C.
Protein change: p.Ile2275Thr; replaces isoleucine 2275 with threonine.
Molecular consequence: missense variant. On other transcripts: intron variant (2).
Genome position (GRCh38, 1-based): chr11:108,326,074, T>C. VCF-style: chr11-108326074-T-C. GRCh37 (hg19) VCF-style: chr11-108196801-T-C.
Other names: c.6824T>C, p.Ile2275Thr (NM_001351834.2); c.641-17003A>G (NM_001330368.2); c.*38+9146A>G (NM_001351110.2); short protein forms I2275T.
Identifiers: ClinVar variation 631410 (VCV000631410.18), dbSNP rs1283858462, ClinGen allele CA382556516.

ClinVar aggregate classification (germline): Uncertain significance. Review status: criteria provided, multiple submitters, no conflicts (2 of 4 stars). 5 submissions from 5 submitters: Uncertain significance (5). Last evaluated 2026-01-18.

Conditions:
Hereditary cancer-predisposing syndrome. Also called: Tumor predisposition; Hereditary neoplastic syndrome; Neoplastic Syndromes, Hereditary; Hereditary Cancer Syndrome. Identifiers: Orphanet 140162, MedGen C0027672, MeSH D009386, MONDO:0015356.
ATM-related cancer predisposition. Also called: ATM-related cancer susceptibility. Identifiers: MedGen CN377759, MONDO:0700270.
Familial cancer of breast. Also called: Hereditary breast cancer; BREAST CANCER, FAMILIAL; hereditary breast carcinoma. Identifiers: Orphanet 227535, MedGen C0346153, MONDO:0016419, OMIM 114480. Disease mechanism: loss of function.
Ataxia-telangiectasia syndrome (AT). Also called: Ataxia-telangiectasia, complementation group D; AT, COMPLEMENTATION GROUP C; ATAXIA-TELANGIECTASIA, COMPLEMENTATION GROUP A; ATAXIA-TELANGIECTASIA, FRESNO VARIANT; Ataxia-telangiectasia; LOUIS-BAR SYNDROME. Identifiers: Orphanet 100, MedGen C0004135, MONDO:0008840, OMIM 208900.

Allele frequency attached by ClinVar (database versions not stated): TOPMed below 0.00001; gnomAD exomes 0.00003 and below 0.00001.
gnomAD v4.1: 39 of 1,614,124 alleles (0.0024%); highest among the groups gnomAD compares: Non-Finnish European, 0.0032%; no homozygotes.

Submissions (5):

Labcorp Genetics (formerly Invitae), Labcorp
Classification: Uncertain significance for Ataxia-telangiectasia syndrome. Last evaluated: 2026-01-18. Review status: criteria provided, single submitter. Criteria: Invitae Variant Classification Sherloc (09022015). Collection method: clinical testing. Allele origin: germline.
Comment: This sequence change replaces isoleucine, which is neutral and non-polar, with threonine, which is neutral and polar, at codon 2275 of the ATM protein (p.Ile2275Thr). This variant is present in population databases (no rsID available, gnomAD 0.007%). This missense change has been observed in individual(s) with prostate cancer (PMID: 33436325). ClinVar contains an entry for this variant (Variation ID: 631410). Invitae Evidence Modeling of protein sequence and biophysical properties (such as structural, functional, and spatial information, amino acid conservation, physicochemical variation, residue mobility, and thermodynamic stability) indicates that this missense variant is not expected to disrupt ATM protein function with a negative predictive value of 95%. In summary, the available evidence is currently insufficient to determine the role of this variant in disease. Therefore, it has been classified as a Variant of Uncertain Significance.

Ambry Genetics
Classification: Uncertain significance for Hereditary cancer-predisposing syndrome. Last evaluated: 2025-01-17. Review status: criteria provided, single submitter. Criteria: Ambry Variant Classification Scheme 2023. Collection method: clinical testing. Allele origin: germline.
Comment: The p.I2275T variant (also known as c.6824T>C), located in coding exon 46 of the ATM gene, results from a T to C substitution at nucleotide position 6824. The isoleucine at codon 2275 is replaced by threonine, an amino acid with similar properties. This variant was reported in 2/5560 prostate cancer cases and in 0/3353 controls of European ancestry (Karlsson Q et al. Eur Urol Oncol, 2021 Aug;4:570-579). This amino acid position is not well conserved in available vertebrate species. In addition, the in silico prediction for this alteration is inconclusive. Based on the available evidence, the clinical significance of this variant remains unclear.

Department of Pathology and Laboratory Medicine, Sinai Health System
Classification: Uncertain significance for ATM-related cancer predisposition. Last evaluated: 2023-10-20. Review status: criteria provided, single submitter. Criteria: ACMG Guidelines, 2015. Collection method: clinical testing. Allele origin: germline. Affected: yes.

Baylor Genetics
Classification: Uncertain significance for Familial cancer of breast. Last evaluated: 2023-09-14. Review status: criteria provided, single submitter. Criteria: ACMG Guidelines, 2015. Collection method: clinical testing. Allele origin: unknown.

Color Diagnostics, LLC DBA Color Health
Classification: Uncertain significance for Hereditary cancer-predisposing syndrome. Last evaluated: 2022-03-18. Review status: criteria provided, single submitter. Criteria: ACMG Guidelines, 2015. Collection method: clinical testing. Allele origin: germline.
Comment: This missense variant replaces isoleucine with threonine at codon 2275 of the ATM protein. Computational prediction suggests that this variant may not impact protein structure and function (internally defined REVEL score threshold <= 0.5, PMID: 27666373). To our knowledge, functional studies have not been reported for this variant. This variant has not been reported in individuals affected with hereditary cancer in the literature. This variant has been identified in 1/251120 chromosomes in the general population by the Genome Aggregation Database (gnomAD). The available evidence is insufficient to determine the role of this variant in disease conclusively. Therefore, this variant is classified as a Variant of Uncertain Significance.

Literature cited by the submitters: PubMed 33436325 (cited by 3 submitters).